The following is an entry in ClinVar:

ClinVar aggregate classification (germline): Uncertain significance. Review status: criteria provided, multiple submitters, no conflicts (2 of 4 stars). 2 submissions from 2 submitters: Uncertain significance (2). Last evaluated 2025-03-31.

Conditions:
Inborn genetic diseases. Identifiers: MedGen C0950123, MeSH D030342.

Submissions (2):

Ambry Genetics
Classification: Uncertain significance for Inborn genetic diseases. Last evaluated: 2025-03-31. Review status: criteria provided, single submitter. Criteria: Ambry Variant Classification Scheme 2023. Collection method: clinical testing. Allele origin: germline.

Labcorp Genetics (formerly Invitae), Labcorp
Classification: Uncertain significance. Last evaluated: 2022-07-03. Review status: criteria provided, single submitter. Criteria: Invitae Variant Classification Sherloc (09022015). Collection method: clinical testing. Allele origin: germline.
Comment: This sequence change replaces aspartic acid, which is acidic and polar, with glycine, which is neutral and non-polar, at codon 387 of the ADGRV1 protein (p.Asp387Gly). This variant is not present in population databases (gnomAD no frequency). This variant has not been reported in the literature in individuals affected with ADGRV1-related conditions. ClinVar contains an entry for this variant (Variation ID: 1507627). Algorithms developed to predict the effect of missense changes on protein structure and function are either unavailable or do not agree on the potential impact of this missense change (SIFT: "Deleterious"; PolyPhen-2: "Possibly Damaging"; Align-GVGD: "Class C0"). Algorithms developed to predict the effect of sequence changes on RNA splicing suggest that this variant may create or strengthen a splice site. In summary, the available evidence is currently insufficient to determine the role of this variant in disease. Therefore, it has been classified as a Variant of Uncertain Significance.

NM_032119.4(ADGRV1):c.1160A>G (p.Asp387Gly)

Gene: ADGRV1 (adhesion G protein-coupled receptor V1; plus strand). Cytogenetic location: 5q14.3.
Variant type: single nucleotide variant.
Coding change: c.1160A>G on transcript NM_032119.4 (MANE Select); coding-DNA position 1160, A replaced by G.
Protein change: p.Asp387Gly; replaces aspartic acid 387 with glycine.
Molecular consequence: missense variant. On other transcripts: non-coding transcript variant (1).
Genome position (GRCh38, 1-based): chr5:90,627,698, A>G. VCF-style: chr5-90627698-A-G. GRCh37 (hg19) VCF-style: chr5-89923515-A-G.
Other names: c.1160A>G (NM_032119.3); short protein forms D387G.
Identifiers: ClinVar variation 1507627 (VCV001507627.4), dbSNP rs1043258412, ClinGen allele CA121825588.
Genomic context (GRCh38, chr5:90,627,698, plus strand): 5'-TACAGGGAGATGCTGTGCTAATAAGCCCTTCTGTTGTACAAGTCACCATTAAGCCAAATG[A>G]TAAACCTTATGGAGTCCTTTCATTCAACAGTGTTTTGTTTGAAAGGACAGTTATAATTGA-3'
Protein context (NP_115495.3, residues 377-397): SVVQVTIKPN[Asp387Gly]KPYGVLSFNS